The following is an entry in ClinVar:

ClinVar aggregate classification (germline): Uncertain significance. Review status: criteria provided, multiple submitters, no conflicts (2 of 4 stars). 2 submissions from 2 submitters: Uncertain significance (2). Last evaluated 2023-08-17.

Conditions:
Neuropathy, hereditary sensory and autonomic, type 2A (HSAN2A). Also called: ACROOSTEOLYSIS, GIACCAI TYPE; ACROOSTEOLYSIS, NEUROGENIC; WNK1-Related HSAN2 (HSAN2A); HSAN IIA; MORVAN DISEASE; NEUROPATHY, CONGENITAL SENSORY. Identifiers: Orphanet 970, MedGen C2752089, MONDO:0024309, OMIM 201300.
Generalized epilepsy with febrile seizures plus, type 7 (GEFSP7). Also called: GEFS+, TYPE 7. Identifiers: Orphanet 36387, MedGen C2751778, MONDO:0013470, OMIM 613863.

Allele frequency attached by ClinVar (database versions not stated): gnomAD exomes 0.00002; TOPMed 0.00002.
gnomAD v4.1: 27 of 1,609,104 alleles (0.0017%); highest among the groups gnomAD compares: Non-Finnish European, 0.0023%; no homozygotes.

Submissions (2):

Labcorp Genetics (formerly Invitae), Labcorp
Classification: Uncertain significance for Neuropathy, hereditary sensory and autonomic, type 2A; Generalized epilepsy with febrile seizures plus, type 7. Last evaluated: 2023-08-17. Review status: criteria provided, single submitter. Criteria: Invitae Variant Classification Sherloc (09022015). Collection method: clinical testing. Allele origin: germline.
Comment: This variant is not present in population databases (gnomAD no frequency). In summary, the available evidence is currently insufficient to determine the role of this variant in disease. Therefore, it has been classified as a Variant of Uncertain Significance. Advanced modeling of protein sequence and biophysical properties (such as structural, functional, and spatial information, amino acid conservation, physicochemical variation, residue mobility, and thermodynamic stability) performed at Invitae indicates that this missense variant is not expected to disrupt SCN9A protein function. ClinVar contains an entry for this variant (Variation ID: 1507816). This variant has not been reported in the literature in individuals affected with SCN9A-related conditions. This sequence change replaces serine, which is neutral and polar, with arginine, which is basic and polar, at codon 538 of the SCN9A protein (p.Ser538Arg).

Blueprint Genetics
Classification: Uncertain significance. Last evaluated: 2022-04-25. Review status: criteria provided, single submitter. Criteria: ACMG Guidelines, 2015. Collection method: clinical testing. Allele origin: germline.

NM_001365536.1(SCN9A):c.1614C>A (p.Ser538Arg)

Genes: SCN1A-AS1 (SCN1A and SCN9A antisense RNA 1; plus strand), SCN9A (sodium voltage-gated channel alpha subunit 9; minus strand). Cytogenetic location: 2q24.3.
Variant type: single nucleotide variant.
Coding change: c.1614C>A on transcript NM_001365536.1 (MANE Select); coding-DNA position 1614, C replaced by A.
Protein change: p.Ser538Arg; replaces serine 538 with arginine.
Molecular consequence: missense variant.
Genome position (GRCh38, 1-based): chr2:166,284,813, G>T on the plus strand (C>A on the coding strand, the complement: SCN9A is on the minus strand). VCF-style: chr2-166284813-G-T. GRCh37 (hg19) VCF-style: chr2-167141323-G-T.
Other names: c.1614C>A, p.Ser538Arg (NM_002977.4); short protein forms S538R.
Identifiers: ClinVar variation 1507816 (VCV001507816.9), dbSNP rs937170630, ClinGen allele CA59799751.